The following is an entry in ClinVar:

NM_004360.5(CDH1):c.1712-184A>G

Gene: CDH1 (cadherin 1; plus strand). Cytogenetic location: 16q22.1.
Variant type: single nucleotide variant.
Coding change: c.1712-184A>G on transcript NM_004360.5 (MANE Select); 184 bases into the intron before coding-DNA position 1712, A replaced by G.
Molecular consequence: intron variant.
Genome position (GRCh38, 1-based): chr16:68,821,817, A>G. VCF-style: chr16-68821817-A-G. GRCh37 (hg19) VCF-style: chr16-68855720-A-G.
Other names: c.164-184A>G (NM_001317185.2); c.-254-184A>G (NM_001317186.2); c.1529-184A>G (NM_001317184.2).
Identifiers: ClinVar variation 2502969 (VCV002502969.1), dbSNP rs1305535377, ClinGen allele CA723138151.
Genomic context (GRCh38, chr16:68,821,817, plus strand): 5'-AGGAATAACTTGAATAATTGTTATCAAGGTGGGAATAAGTTGTCTGTGTAAAACGGCCAG[A>G]GACCTGCCCACCTGGGAGTGGAGGTCCTTTGGGATTGGTGGGACAGGAGGTTCTGCGGGT-3'

ClinVar aggregate classification (germline): Uncertain significance (1 of 4 stars; one submission).

Conditions:
Hereditary diffuse gastric adenocarcinoma (HDGC). Also called: DIFFUSE GASTRIC AND LOBULAR BREAST CANCER SYNDROME. Identifiers: Orphanet 26106, MedGen C1708349, MONDO:0007648, OMIM 137215.

Allele frequency attached by ClinVar (database versions not stated): TOPMed 0.00002.

Submission:

European Reference Network on Genetic Tumour Risk Syndromes (ERN-GENTURIS), i3s - Instituto de Investigação e Inovação em Saúde, University of Porto
Classification: Uncertain significance for Hereditary diffuse gastric adenocarcinoma. Last evaluated: 2022-08-01. Review status: criteria provided, single submitter. Criteria: Lee et al. (Hum Mutat. 2018). Collection method: clinical testing. Allele origin: germline. Inheritance: Autosomal dominant inheritance. Affected: no. Study: ERN GENTURIS.
Comment: PM2 (PMID: 30311375)

Literature cited by the submitters: PubMed 36436516.